The following is an entry in ClinVar:

NM_031892.3(SH3KBP1):c.766G>A (p.Asp256Asn)

Gene: SH3KBP1 (SH3 domain containing kinase binding protein 1; minus strand). Cytogenetic location: Xp22.12.
Variant type: single nucleotide variant.
Coding change: c.766G>A on transcript NM_031892.3 (MANE Select); coding-DNA position 766, G replaced by A.
Protein change: p.Asp256Asn; replaces aspartic acid 256 with asparagine.
Molecular consequence: missense variant.
Genome position (GRCh38, 1-based): chrX:19,645,436, C>T on the plus strand (G>A on the coding strand, the complement: SH3KBP1 is on the minus strand). VCF-style: chrX-19645436-C-T. GRCh37 (hg19) VCF-style: chrX-19663554-C-T.
Other names: c.898G>A, p.Asp300Asn (NM_001410757.1, NM_001410756.1); c.589G>A, p.Asp197Asn (NM_001410758.1); c.655G>A, p.Asp219Asn (NM_001024666.3); c.52G>A, p.Asp18Asn (NM_001184960.2, NM_001353897.2); c.766G>A, p.Asp256Asn (NM_001353890.2); c.841G>A, p.Asp281Asn (NM_001353891.2, NM_001353892.2); c.664G>A, p.Asp222Asn (NM_001353893.2, NM_001353894.2); c.721G>A, p.Asp241Asn (NM_001353895.2); short protein forms D219N, D281N, D300N, D18N, D197N, D241N, D222N, D256N.
Identifiers: ClinVar variation 3678831 (VCV003678831.2).

ClinVar aggregate classification (germline): Uncertain significance (1 of 4 stars; one submission).

Submission:

Labcorp Genetics (formerly Invitae), Labcorp
Classification: Uncertain significance. Last evaluated: 2024-11-03. Review status: criteria provided, single submitter. Criteria: Invitae Variant Classification Sherloc (09022015). Collection method: clinical testing. Allele origin: germline.
Comment: This sequence change replaces aspartic acid, which is acidic and polar, with asparagine, which is neutral and polar, at codon 256 of the SH3KBP1 protein (p.Asp256Asn). This variant is not present in population databases (gnomAD no frequency). This variant has not been reported in the literature in individuals affected with SH3KBP1-related conditions. Invitae Evidence Modeling of protein sequence and biophysical properties (such as structural, functional, and spatial information, amino acid conservation, physicochemical variation, residue mobility, and thermodynamic stability) indicates that this missense variant is not expected to disrupt SH3KBP1 protein function with a negative predictive value of 80%. In summary, the available evidence is currently insufficient to determine the role of this variant in disease. Therefore, it has been classified as a Variant of Uncertain Significance.